The following is an entry in ClinVar:

ClinVar aggregate classification (germline): Uncertain significance (1 of 4 stars; one submission).

Conditions:
EP300-related disorder. Also called: EP300-related condition; EP300-related disorders.

gnomAD v4.1: 1 of 1,614,224 alleles (0.000062%); highest among the groups gnomAD compares: Middle Eastern, 0.016%; no homozygotes.

Submission:

PreventionGenetics, part of Exact Sciences
Classification: Uncertain significance for EP300-related condition. Last evaluated: 2026-02-24. Review status: criteria provided, single submitter. Criteria: ACMG Guidelines, 2015. Collection method: clinical testing. Allele origin: germline.
Comment: The EP300 c.520A>G variant is predicted to result in the amino acid substitution p.Asn174Asp. To our knowledge, this variant has not been reported in the literature or in a large population database (gnomAD), indicating this variant is rare. At the time of reporting, this variant is absent from the ClinVar database. At this time, the clinical significance of this variant is uncertain due to the absence of conclusive functional and genetic evidence.

NM_001429.4(EP300):c.520A>G (p.Asn174Asp)

Gene: EP300 (EP300 lysine acetyltransferase; plus strand). Cytogenetic location: 22q13.2.
Variant type: single nucleotide variant.
Coding change: c.520A>G on transcript NM_001429.4 (MANE Select); coding-DNA position 520, A replaced by G.
Protein change: p.Asn174Asp; replaces asparagine 174 with aspartic acid.
Molecular consequence: missense variant.
Genome position (GRCh38, 1-based): chr22:41,117,612, A>G. VCF-style: chr22-41117612-A-G. GRCh37 (hg19) VCF-style: chr22-41513616-A-G.
Other names: c.520A>G, p.Asn174Asp (NM_001362843.2); short protein forms N174D.
Identifiers: ClinVar variation 4998617 (VCV004998617.1).